The following is an entry in ClinVar:

NM_000545.8(HNF1A):c.1548C>T (p.Gly516=)

Gene: HNF1A (HNF1 homeobox A; plus strand). Cytogenetic location: 12q24.31.
Variant type: single nucleotide variant.
Coding change: c.1548C>T on transcript NM_000545.8 (MANE Select); coding-DNA position 1548, C replaced by T.
Protein change: p.Gly516=; no amino-acid change (glycine 516 retained).
Molecular consequence: synonymous variant.
Genome position (GRCh38, 1-based): chr12:120,999,314, C>T. VCF-style: chr12-120999314-C-T. GRCh37 (hg19) VCF-style: chr12-121437117-C-T.
Other names: NM_000545.6(HNF1A):c.1548C>T; p.Gly516=; NM_000545.8(HNF1A):c.1548C>T; c.1548C>T, p.Gly516= (NM_001306179.2).
Identifiers: ClinVar variation 256597 (VCV000256597.7), dbSNP rs886038346, ClinGen allele CA10587144.

ClinVar aggregate classification (germline): Uncertain significance. Review status: reviewed by expert panel (3 of 4 stars). 3 submissions from 3 submitters: Uncertain significance (1). 2 of the submissions do not count toward it. Last evaluated 2025-10-03.

Conditions:
Monogenic diabetes. Identifiers: Orphanet 183625, MedGen C3888631, MONDO:0015967.
Maturity-onset diabetes of the young (MODY). Also called: Maturity onset diabetes mellitus in young. Identifiers: Orphanet 552, MedGen C0342276, MONDO:0018911, HP:0004904.

Allele frequency attached by ClinVar (database versions not stated): gnomAD exomes below 0.00001.

Submissions (3):

ClinGen Monogenic Diabetes Variant Curation Expert Panel
Classification: Uncertain significance for Monogenic diabetes. Last evaluated: 2025-10-03. Review status: reviewed by expert panel. Criteria: ClinGen Diabetes ACMG Specifications HNF1A V3.0.0. Collection method: curation. Allele origin: germline. Inheritance: Autosomal dominant inheritance.
Comment: The c.1548C>T variant in the HNF1 homeobox A gene, HNF1A, is a synonymous (silent) variant at codon 516 (p.(Gly516=)) of NM_000545.8. This variant has an incomputable gnomAD v4.1.0 Grpmax filtering allele frequency due to only one copy in any subpopulation, thereby meeting the ClinGen MDEP threshold criteria for PM2_Supporting (PM2_Supporting). The computational splicing predictor SpliceAI gives a score of 0.47 for splice acceptor gain, predicting that the variant impacts the acceptor site of intron 7 of HNF1A (PP3). In summary, c.1548C>T meets the criteria to be classified as a variant of uncertain significance for monogenic diabetes. ACMG/AMP criteria applied, as specified by the ClinGen MDEP (specification version 3.0.0, approved 6/30/2025): PM2_Supporting, PP3.

Clinical Genomics, Uppaluri K&H Personalized Medicine Clinic
Classification: Likely benign for Maturity-onset diabetes of the young. Review status: criteria provided, single submitter. Criteria: K & H Uppaluri Personalized Medicine Clinic Variant Classification & Assertion Criteria_Updated V.1. Collection method: research. Allele origin: unknown. Inheritance: Autosomal dominant inheritance. Not counted in ClinVar's aggregate classification.
Comment: Mutations in HNF1A gene can predispose to MODY3. It is associated with both micro and macrovascular complications of diabetes, especially cardiovascular complications. Associated with glucosuria. May respond well to sulfonylureas. However, more evidence is required to confer the association of this particular variant rs886038346 with MODY3.

PreventionGenetics, part of Exact Sciences
Classification: Likely benign. Review status: criteria provided, single submitter. Criteria: ACMG Guidelines, 2015. Collection method: clinical testing. Allele origin: germline. Not counted in ClinVar's aggregate classification.

Literature cited by the submitters: PubMed 31517624 (cited by Clinical Genomics, Uppaluri K&H Personalized Medicine Clinic); PubMed 32395877 (cited by Clinical Genomics, Uppaluri K&H Personalized Medicine Clinic); PubMed 35328643 (cited by Clinical Genomics, Uppaluri K&H Personalized Medicine Clinic); PubMed 35673428 (cited by Clinical Genomics, Uppaluri K&H Personalized Medicine Clinic).